The following is an entry in ClinVar:

ClinVar aggregate classification (germline): Uncertain significance (1 of 4 stars; one submission).

Submission:

GeneDx
Classification: Uncertain significance. Last evaluated: 2024-07-21. Review status: criteria provided, single submitter. Criteria: GeneDx Variant Classification Process June 2021. Collection method: clinical testing. Allele origin: germline. Affected: yes.
Comment: In silico analysis supports that this missense variant has a deleterious effect on protein structure/function; Has not been previously published as pathogenic or benign to our knowledge

NM_020314.7(VPS35L):c.379C>T (p.Arg127Trp)

Gene: VPS35L (VPS35 endosomal protein sorting factor like; plus strand). Cytogenetic location: 16p12.3.
Variant type: single nucleotide variant.
Coding change: c.379C>T on transcript NM_020314.7 (MANE Select); coding-DNA position 379, C replaced by T.
Protein change: p.Arg127Trp; replaces arginine 127 with tryptophan.
Molecular consequence: missense variant. On other transcripts: 5 prime UTR variant (1), non-coding transcript variant (2).
Genome position (GRCh38, 1-based): chr16:19,573,212, C>T. VCF-style: chr16-19573212-C-T. GRCh37 (hg19) VCF-style: chr16-19584534-C-T.
Other names: c.379C>T, p.Arg127Trp (NM_001300743.3, NM_001365293.2, NM_001365294.2); c.-581C>T (NM_001365295.2); short protein forms R127W.
Identifiers: ClinVar variation 3600890 (VCV003600890.1).